The following is an entry in ClinVar:

NM_052988.5(CDK10):c.520_521del (p.Lys174fs)

Gene: CDK10 (cyclin dependent kinase 10; plus strand). Cytogenetic location: 16q24.3.
Variant type: Deletion.
Coding change: c.520_521del on transcript NM_052988.5 (MANE Select); coding-DNA positions 520 to 521, 2 bases deleted (AA; older notation c.520_521delAA).
Protein change: p.Lys174fs; shifts the reading frame from lysine 174.
Molecular consequence: frameshift variant. On other transcripts: non-coding transcript variant (2).
Genome position (GRCh38, 1-based): chr16:89,693,308-89,693,309, AA deleted. VCF-style (leftmost placement, unchanged base first): chr16-89693307-CAA-C. GRCh37 (hg19) VCF-style: chr16-89759715-CAA-C.
Other names: c.307_308del, p.Lys103fs (NM_001098533.3, NM_001160367.2, NM_052987.4); short protein forms K103fs, K174fs.
Identifiers: ClinVar variation 1176670 (VCV001176670.37), dbSNP rs1567520269, ClinGen allele CA624258547.

ClinVar aggregate classification (germline): Pathogenic/Likely pathogenic. Review status: criteria provided, multiple submitters, no conflicts (2 of 4 stars). 3 submissions from 3 submitters: Pathogenic (2); Likely pathogenic (1). Last evaluated 2025-04-29.

Conditions:
Al Kaissi syndrome. Also called: GROWTH RETARDATION, SPINE MALFORMATION, DYSMORPHIC FACIES, AND DEVELOPMENTAL DELAY. Identifiers: MedGen C4540156, MONDO:0044324, OMIM 617694.

Allele frequency attached by ClinVar (database versions not stated): gnomAD exomes below 0.00001; gnomAD 0.00001.

Submissions (3):

Center for Precision Genome Editing and Genetic Technologies for Biomedicine, Pirogov Russian National Research Medical University
Classification: Likely pathogenic for Al Kaissi syndrome. Last evaluated: 2025-04-29. Review status: criteria provided, single submitter. Criteria: ACMG Guidelines, 2015. Collection method: clinical testing. Allele origin: unknown. Inheritance: Autosomal recessive inheritance. Affected: yes. Observed: 1 homozygote.
Comment: CDK10(NM_052988.5):c.520_521del (p.K174Gfs*34) is a frameshift variant that leads to the formation of a premature stop codon, resulting in a reduction in the amount of protein product – PVS1. It has been observed in gnomAD with a frequency of 0.000003098, fulfilling the PM2 criterion. Based on the applied ACMG/AMP criteria (PVS1, PM2), this variant is classified as Likely Pathogenic.

3billion
Classification: Pathogenic for Al Kaissi syndrome. Last evaluated: 2024-02-01. Review status: criteria provided, single submitter. Criteria: ACMG Guidelines, 2015. Collection method: clinical testing. Allele origin: germline. Affected: yes.
Comment: The variant is observed at an extremely low frequency in the gnomAD v2.1.1 dataset (total allele frequency: <0.001%). Predicted Consequence/Location: Frameshift: predicted to result in a loss or disruption of normal protein function through nonsense-mediated decay (NMD) or protein truncation. Multiple pathogenic variants are reported downstream of the variant. The variant has been reported to be associated with CDK10 related disorder (ClinVar ID: VCV001176670). Therefore, this variant is classified as Pathogenic according to the recommendation of ACMG/AMP guideline.

CeGaT Center for Human Genetics Tuebingen
Classification: Pathogenic. Last evaluated: 2021-02-01. Review status: criteria provided, single submitter. Criteria: CeGaT Center For Human Genetics Tuebingen Variant Classification Criteria Version 2. Collection method: clinical testing. Allele origin: germline. Affected: yes. Observed: 4 variant alleles.

Literature cited by the submitters: DOI 10.1002/humu.23626 (cited by Center for Precision Genome Editing and Genetic Technologies for Biomedicine, Pirogov Russian National Research Medical University).